The following is an entry in ClinVar:

ClinVar aggregate classification (germline): Uncertain significance (1 of 4 stars; one submission).

Conditions:
Autosomal recessive limb-girdle muscular dystrophy type 2Q (LGMDR17). Also called: MUSCULAR DYSTROPHY, LIMB-GIRDLE, AUTOSOMAL RECESSIVE 17. Identifiers: Orphanet 254361, MedGen C3150989, MONDO:0013390, OMIM 613723.
Epidermolysis bullosa simplex, Ogna type (EBS5A). Also called: Pidermolysis bullosa simplex 5A, Ogna type; EPIDERMOLYSIS BULLOSA SIMPLEX 5A, OGNA TYPE. Identifiers: Orphanet 79401, MedGen C0432317, MONDO:0007555, OMIM 131950.
Epidermolysis bullosa simplex 5B, with muscular dystrophy (EBS5B). Also called: EPIDERMOLYSIS BULLOSA SIMPLEX AND LIMB-GIRDLE MUSCULAR DYSTROPHY; Epidermolysis bullosa simplex with muscular dystrophy. Identifiers: Orphanet 257, MedGen C2931072, MONDO:0009181, OMIM 226670.
Epidermolysis bullosa simplex 5C, with pyloric atresia (EBS5C). Also called: Epidermolysis bullosa simplex with pyloric atresia; PLEC-Related Epidermolysis Bullosa with Pyloric Atresia; PLEC1-Related Epidermolysis Bullosa with Pyloric Atresia. Identifiers: Orphanet 158684, MedGen C2677349, MONDO:0012807, OMIM 612138.
Epidermolysis bullosa simplex with nail dystrophy (EBS5D). Identifiers: MedGen C4225309, MONDO:0014661, OMIM 616487.

Allele frequency attached by ClinVar (database versions not stated): gnomAD 0.00001; gnomAD exomes 0.00001; TOPMed 0.00001.
gnomAD v4.1: 12 of 1,610,592 alleles (0.00075%); highest among the groups gnomAD compares: Non-Finnish European, 0.001%; no homozygotes.

Submission:

Labcorp Genetics (formerly Invitae), Labcorp
Classification: Uncertain significance for Autosomal recessive limb-girdle muscular dystrophy type 2Q; Epidermolysis bullosa simplex, Ogna type; Epidermolysis bullosa simplex with nail dystrophy; Epidermolysis bullosa simplex 5C, with pyloric atresia; Epidermolysis bullosa simplex 5B, with muscular dystrophy. Last evaluated: 2025-03-18. Review status: criteria provided, single submitter. Criteria: Invitae Variant Classification Sherloc (09022015). Collection method: clinical testing. Allele origin: germline.
Comment: This sequence change replaces glycine, which is neutral and non-polar, with valine, which is neutral and non-polar, at codon 587 of the PLEC protein (p.Gly587Val). This variant is not present in population databases (gnomAD no frequency). This variant has not been reported in the literature in individuals affected with PLEC-related conditions. ClinVar contains an entry for this variant (Variation ID: 1514329). Invitae Evidence Modeling of protein sequence and biophysical properties (such as structural, functional, and spatial information, amino acid conservation, physicochemical variation, residue mobility, and thermodynamic stability) indicates that this missense variant is not expected to disrupt PLEC protein function with a negative predictive value of 80%. In summary, the available evidence is currently insufficient to determine the role of this variant in disease. Therefore, it has been classified as a Variant of Uncertain Significance.

NM_201384.3(PLEC):c.1679G>T (p.Gly560Val)

Gene: PLEC (plectin; minus strand). Cytogenetic location: 8q24.3.
Variant type: single nucleotide variant.
Coding change: c.1679G>T on transcript NM_201384.3 (MANE Select); coding-DNA position 1679, G replaced by T.
Protein change: p.Gly560Val; replaces glycine 560 with valine.
Molecular consequence: missense variant.
Genome position (GRCh38, 1-based): chr8:143,932,851, C>A on the plus strand (G>T on the coding strand, the complement: PLEC is on the minus strand). VCF-style: chr8-143932851-C-A. GRCh37 (hg19) VCF-style: chr8-145007019-C-A.
Other names: c.1760G>T, p.Gly587Val (NM_000445.5); c.1637G>T, p.Gly546Val (NM_201378.4); c.1613G>T, p.Gly538Val (NM_201379.3); c.2090G>T, p.Gly697Val (NM_201380.4); c.1583G>T, p.Gly528Val (NM_201381.3); c.1679G>T, p.Gly560Val (NM_201382.4); c.1691G>T, p.Gly564Val (NM_201383.3); short protein forms G538V, G587V, G546V, G564V, G528V, G560V, G697V.
Identifiers: ClinVar variation 1514329 (VCV001514329.6), dbSNP rs921706306, ClinGen allele CA187621391.